The following is an entry in ClinVar:

NM_004100.5(EYA4):c.454C>G (p.Leu152Val)

Gene: EYA4 (EYA transcriptional coactivator and phosphatase 4; plus strand). Cytogenetic location: 6q23.2.
Variant type: single nucleotide variant.
Coding change: c.454C>G on transcript NM_004100.5 (MANE Select); coding-DNA position 454, C replaced by G.
Protein change: p.Leu152Val; replaces leucine 152 with valine.
Molecular consequence: missense variant.
Genome position (GRCh38, 1-based): chr6:133,462,351, C>G. VCF-style: chr6-133462351-C-G. GRCh37 (hg19) VCF-style: chr6-133783489-C-G.
Other names: c.292C>G, p.Leu98Val (NM_001301012.2, NM_001370459.1); c.454C>G, p.Leu152Val (NM_001301013.2, NM_172105.4); c.385C>G, p.Leu129Val (NM_001370458.1, NM_172103.4); short protein forms L129V, L152V, L98V.
Identifiers: ClinVar variation 1196435 (VCV001196435.8), dbSNP rs753705589, ClinGen allele CA4008077.

ClinVar aggregate classification (germline): Uncertain significance. Review status: criteria provided, multiple submitters, no conflicts (2 of 4 stars). 3 submissions from 3 submitters: Uncertain significance (3). Last evaluated 2025-08-30.

Conditions:
Cardiovascular phenotype. Identifiers: MedGen CN230736.
Dilated cardiomyopathy 1J (CMD1J). Also called: CARDIOMYOPATHY, DILATED, WITH SENSORINEURAL HEARING LOSS, AUTOSOMAL DOMINANT. Identifiers: Orphanet 217622, MedGen C1854368, MONDO:0011541, OMIM 605362.

Allele frequency attached by ClinVar (database versions not stated): ExAC 0.00001; gnomAD exomes 0.00002; TOPMed 0.00005; gnomAD 0.00006.
gnomAD v4.1: 16 of 1,614,038 alleles (0.00099%); highest among the groups gnomAD compares: Admixed American, 0.017%; no homozygotes.

Submissions (3):

Labcorp Genetics (formerly Invitae), Labcorp
Classification: Uncertain significance for Dilated cardiomyopathy 1J. Last evaluated: 2025-08-30. Review status: criteria provided, single submitter. Criteria: Invitae Variant Classification Sherloc (09022015). Collection method: clinical testing. Allele origin: germline.
Comment: This sequence change replaces leucine, which is neutral and non-polar, with valine, which is neutral and non-polar, at codon 152 of the EYA4 protein (p.Leu152Val). This variant is present in population databases (rs753705589, gnomAD 0.006%). This variant has not been reported in the literature in individuals affected with EYA4-related conditions. ClinVar contains an entry for this variant (Variation ID: 1196435). Invitae Evidence Modeling of protein sequence and biophysical properties (such as structural, functional, and spatial information, amino acid conservation, physicochemical variation, residue mobility, and thermodynamic stability) indicates that this missense variant is not expected to disrupt EYA4 protein function with a negative predictive value of 80%. In summary, the available evidence is currently insufficient to determine the role of this variant in disease. Therefore, it has been classified as a Variant of Uncertain Significance.

Ambry Genetics
Classification: Uncertain significance for Cardiovascular phenotype. Last evaluated: 2022-03-11. Review status: criteria provided, single submitter. Criteria: Ambry Variant Classification Scheme 2023. Collection method: clinical testing. Allele origin: germline.

GeneDx
Classification: Uncertain significance. Last evaluated: 2021-01-25. Review status: criteria provided, single submitter. Criteria: GeneDx Variant Classification Process June 2021. Collection method: clinical testing. Allele origin: germline. Affected: yes.
Comment: In silico analysis supports that this missense variant does not alter protein structure/function; Has not been previously published as pathogenic or benign to our knowledge